The following is an entry in ClinVar:

ClinVar aggregate classification (germline): Uncertain significance (1 of 4 stars; one submission).

Conditions:
SYNE1-related disorder. Also called: SYNE1-related disorders; SYNE1-related disease; SYNE1-related condition.

gnomAD v4.1: 22 of 1,613,658 alleles (0.0014%); highest among the groups gnomAD compares: East Asian, 0.0089%; no homozygotes.

Submission:

PreventionGenetics, part of Exact Sciences
Classification: Uncertain significance for SYNE1-related condition. Last evaluated: 2025-05-18. Review status: criteria provided, single submitter. Criteria: ACMG Guidelines, 2015. Collection method: clinical testing. Allele origin: germline.
Comment: The SYNE1 c.15899G>A variant is predicted to result in the amino acid substitution p.Arg5300Gln. To our knowledge, this variant has not been reported in the literature. This variant is reported in 0.011% of alleles in individuals of East Asian descent in gnomAD. At this time, the clinical significance of this variant is uncertain due to the absence of conclusive functional and genetic evidence.

NM_182961.4(SYNE1):c.16112G>A (p.Arg5371Gln)

Gene: SYNE1 (spectrin repeat containing nuclear envelope protein 1; minus strand). Cytogenetic location: 6q25.2.
Variant type: single nucleotide variant.
Coding change: c.16112G>A on transcript NM_182961.4 (MANE Select); coding-DNA position 16112, G replaced by A.
Protein change: p.Arg5371Gln; replaces arginine 5371 with glutamine.
Molecular consequence: missense variant.
Genome position (GRCh38, 1-based): chr6:152,321,362, C>T on the plus strand (G>A on the coding strand, the complement: SYNE1 is on the minus strand). VCF-style: chr6-152321362-C-T. GRCh37 (hg19) VCF-style: chr6-152642497-C-T.
Other names: c.15899G>A, p.Arg5300Gln (NM_033071.5); short protein forms R5300Q, R5371Q.
Identifiers: ClinVar variation 5002147 (VCV005002147.1).